The following is an entry in ClinVar:

ClinVar aggregate classification (germline): Uncertain significance. Review status: criteria provided, multiple submitters, no conflicts (2 of 4 stars). 2 submissions from 2 submitters: Uncertain significance (2). Last evaluated 2024-06-08.

Conditions:
Ehlers-Danlos syndrome, kyphoscoliotic type 1 (EDSKSCL1). Also called: EHLERS-DANLOS SYNDROME, TYPE VIA; EHLERS-DANLOS SYNDROME, OCULAR-SCOLIOTIC TYPE; PLOD1-Related Kyphoscoliotic Ehlers-Danlos Syndrome; Ehlers-Danlos syndrome, hydroxylysine-deficient. Identifiers: Orphanet 1900, MedGen C0268342, MONDO:0016002, OMIM 225400. Disease mechanism: loss of function.

Allele frequency attached by ClinVar (database versions not stated): gnomAD exomes below 0.00001 and 0.00002; TOPMed below 0.00001; ExAC 0.00002; gnomAD 0.00002.
gnomAD v4.1: 9 of 1,613,016 alleles (0.00056%); highest among the groups gnomAD compares: Non-Finnish European, 0.00059%; no homozygotes.

Submissions (2):

Labcorp Genetics (formerly Invitae), Labcorp
Classification: Uncertain significance for Ehlers-Danlos syndrome, kyphoscoliotic type 1. Last evaluated: 2024-06-08. Review status: criteria provided, single submitter. Criteria: Invitae Variant Classification Sherloc (09022015). Collection method: clinical testing. Allele origin: germline.
Comment: This sequence change replaces aspartic acid, which is acidic and polar, with asparagine, which is neutral and polar, at codon 519 of the PLOD1 protein (p.Asp519Asn). This variant is present in population databases (rs750991056, gnomAD 0.008%). This variant has not been reported in the literature in individuals affected with PLOD1-related conditions. ClinVar contains an entry for this variant (Variation ID: 1313979). Advanced modeling of protein sequence and biophysical properties (such as structural, functional, and spatial information, amino acid conservation, physicochemical variation, residue mobility, and thermodynamic stability) performed at Invitae indicates that this missense variant is expected to disrupt PLOD1 protein function with a positive predictive value of 80%. In summary, the available evidence is currently insufficient to determine the role of this variant in disease. Therefore, it has been classified as a Variant of Uncertain Significance.

GeneDx
Classification: Uncertain significance. Last evaluated: 2021-01-07. Review status: criteria provided, single submitter. Criteria: GeneDx Variant Classification Process June 2021. Collection method: clinical testing. Allele origin: germline. Affected: yes.
Comment: Not observed at a significant frequency in large population cohorts (Lek et al., 2016); In silico analysis supports that this missense variant has a deleterious effect on protein structure/function; Has not been previously published as pathogenic or benign to our knowledge

NM_000302.4(PLOD1):c.1555G>A (p.Asp519Asn)

Gene: PLOD1 (procollagen-lysine,2-oxoglutarate 5-dioxygenase 1; plus strand). Cytogenetic location: 1p36.22.
Variant type: single nucleotide variant.
Coding change: c.1555G>A on transcript NM_000302.4 (MANE Select); coding-DNA position 1555, G replaced by A.
Protein change: p.Asp519Asn; replaces aspartic acid 519 with asparagine.
Molecular consequence: missense variant.
Genome position (GRCh38, 1-based): chr1:11,965,564, G>A. VCF-style: chr1-11965564-G-A. GRCh37 (hg19) VCF-style: chr1-12025621-G-A.
Other names: c.1696G>A, p.Asp566Asn (NM_001316320.2); short protein forms D519N, D566N.
Identifiers: ClinVar variation 1313979 (VCV001313979.3), dbSNP rs750991056, ClinGen allele CA598442.